The following is an entry in ClinVar:

ClinVar aggregate classification (germline): Benign (0 of 4 stars; one submission).

Conditions:
NCAM2-related disorder. Also called: NCAM2-related condition.

Allele frequency attached by ClinVar (database versions not stated): gnomAD exomes 0.08987; ExAC 0.12700; ESP Exome Variant Server 0.13607; gnomAD 0.14317; TOPMed 0.15070; 1000 Genomes Project 0.18011; 1000 Genomes Project 30x 0.18738.
gnomAD v4.1: 153,152 of 1,610,422 alleles (9.5%); highest among the groups gnomAD compares: African/African-American, 29%; 10,829 homozygotes.

Submission:

PreventionGenetics, part of Exact Sciences
Classification: Benign for NCAM2-related condition. Last evaluated: 2019-11-06. Review status: no assertion criteria provided. Collection method: clinical testing. Allele origin: germline.
Comment: This variant is classified as benign based on ACMG/AMP sequence variant interpretation guidelines (Richards et al. 2015 PMID: 25741868, with internal and published modifications).

NM_004540.5(NCAM2):c.2157A>G (p.Thr719=)

Gene: NCAM2 (neural cell adhesion molecule 2; plus strand). Cytogenetic location: 21q21.1.
Variant type: single nucleotide variant.
Coding change: c.2157A>G on transcript NM_004540.5 (MANE Select); coding-DNA position 2157, A replaced by G.
Protein change: p.Thr719=; no amino-acid change (threonine 719 retained).
Molecular consequence: synonymous variant.
Genome position (GRCh38, 1-based): chr21:21,508,930, A>G. VCF-style: chr21-21508930-A-G. GRCh37 (hg19) VCF-style: chr21-22881251-A-G.
Other names: c.2157A>G, p.Thr719= (NM_001352591.2); c.2232A>G, p.Thr744= (NM_001352592.2); c.1731A>G, p.Thr577= (NM_001352595.2).
Identifiers: ClinVar variation 3058963 (VCV003058963.2), dbSNP rs2017705, ClinGen allele CA9985588.
Genomic context (GRCh38, chr21:21,508,930, plus strand): 5'-TGGGCTTGGAGCAGTAATTGGCCTGGGAGTTGCTGCACTGCTGCTAATTCTTGTGGTAAC[A>G]GACGTCAGCTGCTTCTTTATTCGGCAATGTGGGTTGCTGATGTGCATCACTAGGAGAATG-3'
Protein context (NP_004531.2, residues 709-729): VAALLLILVV[Thr719=]DVSCFFIRQC